The following is an entry in ClinVar:

NM_000553.6(WRN):c.1249A>G (p.Ile417Val)

Gene: WRN (WRN RecQ like helicase; plus strand). Cytogenetic location: 8p12.
Variant type: single nucleotide variant.
Coding change: c.1249A>G on transcript NM_000553.6 (MANE Select); coding-DNA position 1249, A replaced by G.
Protein change: p.Ile417Val; replaces isoleucine 417 with valine.
Molecular consequence: missense variant.
Genome position (GRCh38, 1-based): chr8:31,081,276, A>G. VCF-style: chr8-31081276-A-G. GRCh37 (hg19) VCF-style: chr8-30938792-A-G.
Other names: short protein forms I417V.
Identifiers: ClinVar variation 1720550 (VCV001720550.5), dbSNP rs1317121391, ClinGen allele CA370921488.

ClinVar aggregate classification (germline): Uncertain significance (1 of 4 stars; one submission).

Conditions:
Werner syndrome (WRN). Identifiers: Orphanet 902, MedGen C0043119, MONDO:0010196, OMIM 277700.

Submission:

Labcorp Genetics (formerly Invitae), Labcorp
Classification: Uncertain significance for Werner syndrome. Last evaluated: 2022-10-15. Review status: criteria provided, single submitter. Criteria: Invitae Variant Classification Sherloc (09022015). Collection method: clinical testing. Allele origin: germline.
Comment: In summary, the available evidence is currently insufficient to determine the role of this variant in disease. Therefore, it has been classified as a Variant of Uncertain Significance. Algorithms developed to predict the effect of missense changes on protein structure and function output the following: SIFT: "Not Available"; PolyPhen-2: "Benign"; Align-GVGD: "Not Available". The valine amino acid residue is found in multiple mammalian species, which suggests that this missense change does not adversely affect protein function. This variant has not been reported in the literature in individuals affected with WRN-related conditions. This variant is present in population databases (no rsID available, gnomAD 0.007%). This sequence change replaces isoleucine, which is neutral and non-polar, with valine, which is neutral and non-polar, at codon 417 of the WRN protein (p.Ile417Val).